The following is an entry in ClinVar:

NM_004006.3(DMD):c.2556G>A (p.Trp852Ter)

Gene: DMD (dystrophin; minus strand). Cytogenetic location: Xp21.1.
Variant type: single nucleotide variant.
Coding change: c.2556G>A on transcript NM_004006.3 (MANE Select); coding-DNA position 2556, G replaced by A.
Protein change: p.Trp852Ter; replaces tryptophan 852 with a stop codon.
Molecular consequence: nonsense.
Genome position (GRCh38, 1-based): chrX:32,491,343, C>T on the plus strand (G>A on the coding strand, the complement: DMD is on the minus strand). VCF-style: chrX-32491343-C-T. GRCh37 (hg19) VCF-style: chrX-32509460-C-T.
Other names: c.2532G>A, p.Trp844Ter (NM_000109.4); c.2544G>A, p.Trp848Ter (NM_004009.3); c.2187G>A, p.Trp729Ter (NM_004010.3); short protein forms W852*, W844*, W848*, W729*.
Identifiers: ClinVar variation 595843 (VCV000595843.12), dbSNP rs1429329309, ClinGen allele CA412672072.

ClinVar aggregate classification (germline): Pathogenic. Review status: criteria provided, multiple submitters, no conflicts (2 of 4 stars). 2 submissions from 2 submitters: Pathogenic (2). Last evaluated 2022-08-22.

Conditions:
Duchenne muscular dystrophy (DMD). Also called: MUSCULAR DYSTROPHY, PSEUDOHYPERTROPHIC PROGRESSIVE, DUCHENNE TYPE; Duchenne Muscular Dystrophy (DMD). Identifiers: Orphanet 98896, MedGen C0013264, MONDO:0010679, OMIM 310200.

Submissions (2):

Labcorp Genetics (formerly Invitae), Labcorp
Classification: Pathogenic for Duchenne muscular dystrophy. Last evaluated: 2022-08-22. Review status: criteria provided, single submitter. Criteria: Invitae Variant Classification Sherloc (09022015). Collection method: clinical testing. Allele origin: germline.
Comment: For these reasons, this variant has been classified as Pathogenic. ClinVar contains an entry for this variant (Variation ID: 595843). This premature translational stop signal has been observed in individual(s) with dystrophinopathies (PMID: 31412794). This variant is not present in population databases (gnomAD no frequency). This sequence change creates a premature translational stop signal (p.Trp852*) in the DMD gene. It is expected to result in an absent or disrupted protein product. Loss-of-function variants in DMD are known to be pathogenic (PMID: 16770791, 25007885).

Eurofins Ntd Llc (ga)
Classification: Pathogenic. Last evaluated: 2018-01-23. Review status: criteria provided, single submitter. Criteria: EGL Classification Definitions 2015. Collection method: clinical testing. Allele origin: germline. Observed: 1 variant allele, 1 hemizygote.

Literature cited by the submitters: PubMed 31412794 (cited by Labcorp Genetics (formerly Invitae), Labcorp); PubMed 16770791 (cited by Labcorp Genetics (formerly Invitae), Labcorp); PubMed 25007885 (cited by Labcorp Genetics (formerly Invitae), Labcorp).